The following is an entry in ClinVar:

NM_000719.7(CACNA1C):c.5680+7G>A

Genes: CACNA1C (calcium voltage-gated channel subunit alpha1 C; plus strand), CACNA1C-AS1 (CACNA1C antisense RNA 1; minus strand). Cytogenetic location: 12p13.33.
Variant type: single nucleotide variant.
Coding change: c.5680+7G>A on transcript NM_000719.7 (MANE Select); 7 bases into the intron after coding-DNA position 5680, G replaced by A.
Molecular consequence: intron variant.
Genome position (GRCh38, 1-based): chr12:2,685,849, G>A. VCF-style: chr12-2685849-G-A. GRCh37 (hg19) VCF-style: chr12-2795015-G-A.
Other names: c.5785+7G>A (NM_001167624.3, NM_001129830.3); c.5680+7G>A (NM_001167623.2, NM_001129840.2, NM_001129842.2 and 2 more transcripts); c.5860+7G>A (NM_001167625.2); c.5929+7G>A (NM_199460.4); c.5824+7G>A (NM_001129827.2); c.5740+7G>A (NM_001129832.2); c.5764+7G>A (NM_001129831.2); c.5737+7G>A (NM_001129833.2, NM_001129834.2, NM_001129835.2); and 6 more.
Identifiers: ClinVar variation 696380 (VCV000696380.13), dbSNP rs561730431, ClinGen allele CA6389922.

ClinVar aggregate classification (germline): Likely benign. Review status: criteria provided, multiple submitters, no conflicts (2 of 4 stars). 3 submissions from 3 submitters: Likely benign (2). 1 of the submissions does not count toward it. Last evaluated 2025-11-17.

Conditions:
Long QT syndrome (LQTS). Identifiers: MedGen C0023976, MeSH D008133, MONDO:0002442. Disease mechanism: loss of function. Inheritance: Various modes of inheritance.
CACNA1C-related disorder. Also called: CACNA1C-related condition; CACNA1C-related disorders. Identifiers: MedGen CN381092, MONDO:0700321.

Allele frequency attached by ClinVar (database versions not stated): TOPMed 0.00002; gnomAD 0.00003.

Submissions (3):

Labcorp Genetics (formerly Invitae), Labcorp
Classification: Likely benign for Long QT syndrome. Last evaluated: 2025-11-17. Review status: criteria provided, single submitter. Criteria: Invitae Variant Classification Sherloc (09022015). Collection method: clinical testing. Allele origin: germline.

Blueprint Genetics
Classification: Likely benign. Last evaluated: 2021-11-16. Review status: criteria provided, single submitter. Criteria: ACMG Guidelines, 2015. Collection method: clinical testing. Allele origin: germline.

PreventionGenetics, part of Exact Sciences
Classification: Likely benign for CACNA1C-related condition. Last evaluated: 2023-10-12. Review status: no assertion criteria provided. Collection method: clinical testing. Allele origin: germline. Not counted in ClinVar's aggregate classification.
Comment: This variant is classified as likely benign based on ACMG/AMP sequence variant interpretation guidelines (Richards et al. 2015 PMID: 25741868, with internal and published modifications).